The following is an entry in ClinVar:

ClinVar aggregate classification (germline): Pathogenic (1 of 4 stars; one submission).

Conditions:
Hemochromatosis type 4 (HFE4). Also called: Ferroportin disease; HEMOCHROMATOSIS DUE TO DEFECT IN FERROPORTIN; HEMOCHROMATOSIS, AUTOSOMAL DOMINANT. Identifiers: Orphanet 139491, Orphanet 647834, Orphanet 648562, MedGen C1853733, MONDO:0011631, OMIM 606069.

Submission:

Labcorp Genetics (formerly Invitae), Labcorp
Classification: Pathogenic for Hemochromatosis type 4. Last evaluated: 2025-10-27. Review status: criteria provided, single submitter. Criteria: Invitae Variant Classification Sherloc (09022015). Collection method: clinical testing. Allele origin: germline.
Comment: This sequence change replaces tryptophan, which is neutral and slightly polar, with cysteine, which is neutral and slightly polar, at codon 158 of the SLC40A1 protein (p.Trp158Cys). This variant is not present in population databases (gnomAD no frequency). This missense change has been observed in individuals with hyperferritinemia (PMID: 21396368, 28110135; internal data). It has also been observed to segregate with disease in related individuals. ClinVar contains an entry for this variant (Variation ID: 568628). Invitae Evidence Modeling of protein sequence and biophysical properties (such as structural, functional, and spatial information, amino acid conservation, physicochemical variation, residue mobility, and thermodynamic stability) indicates that this missense variant is expected to disrupt SLC40A1 protein function with a positive predictive value of 95%. Experimental studies have shown that this missense change affects SLC40A1 function (PMID: 21396368). For these reasons, this variant has been classified as Pathogenic.

Literature cited by the submitters: PubMed 21396368; PubMed 28110135.

NM_014585.6(SLC40A1):c.474G>T (p.Trp158Cys)

Gene: SLC40A1 (solute carrier family 40 member 1; minus strand). Cytogenetic location: 2q32.2.
Variant type: single nucleotide variant.
Coding change: c.474G>T on transcript NM_014585.6 (MANE Select); coding-DNA position 474, G replaced by T.
Protein change: p.Trp158Cys; replaces tryptophan 158 with cysteine.
Molecular consequence: missense variant.
Genome position (GRCh38, 1-based): chr2:189,571,755, C>A on the plus strand (G>T on the coding strand, the complement: SLC40A1 is on the minus strand). VCF-style: chr2-189571755-C-A. GRCh37 (hg19) VCF-style: chr2-190436481-C-A.
Other names: short protein forms W158C.
Identifiers: ClinVar variation 568628 (VCV000568628.8), dbSNP rs1423207026, ClinGen allele CA349989126.
Genomic context (GRCh38, chr2:189,571,755, plus strand): 5'-AAAAGAGAAAGCCAAATTACTTGCTAGTTTGCTTCTGTCTTCTCCTGCAACAACAACAAT[C>A]CAATCCCTTTGGATTGTGATTGCAGTAGCAGTACTGGCCAAATTTGCAATATTTGCAATA-3'
Protein context (NP_055400.1, residues 148-168): TATAITIQRD[Trp158Cys]IVVVAGEDRS